The following is an entry in ClinVar:

ClinVar aggregate classification (germline): Likely benign (0 of 4 stars; one submission).

Conditions:
PPFIA1-related disorder. Also called: PPFIA1-related condition.

Allele frequency attached by ClinVar (database versions not stated): gnomAD 0.00015; gnomAD exomes 0.00015; ExAC 0.00016; TOPMed 0.00019; ESP Exome Variant Server 0.00031.
gnomAD v4.1: 249 of 1,613,104 alleles (0.015%); highest among the groups gnomAD compares: Middle Eastern, 0.054%; no homozygotes.

Submission:

PreventionGenetics, part of Exact Sciences
Classification: Likely benign for PPFIA1-related condition. Last evaluated: 2019-03-22. Review status: no assertion criteria provided. Collection method: clinical testing. Allele origin: germline.
Comment: This variant is classified as likely benign based on ACMG/AMP sequence variant interpretation guidelines (Richards et al. 2015 PMID: 25741868, with internal and published modifications).

NM_003626.5(PPFIA1):c.9C>T (p.Cys3=)

Gene: PPFIA1 (PTPRF interacting protein alpha 1; plus strand). Cytogenetic location: 11q13.3.
Variant type: single nucleotide variant.
Coding change: c.9C>T on transcript NM_003626.5 (MANE Select); coding-DNA position 9, C replaced by T.
Protein change: p.Cys3=; no amino-acid change (cysteine 3 retained).
Molecular consequence: synonymous variant. On other transcripts: non-coding transcript variant (1).
Genome position (GRCh38, 1-based): chr11:70,272,181, C>T. VCF-style: chr11-70272181-C-T. GRCh37 (hg19) VCF-style: chr11-70118287-C-T.
Other names: c.9C>T, p.Cys3= (NM_001378006.1, NM_177423.3).
Identifiers: ClinVar variation 3058574 (VCV003058574.2), dbSNP rs137873718, ClinGen allele CA6158532.